The following is an entry in ClinVar:

ClinVar aggregate classification (germline): Benign/Likely benign. Review status: criteria provided, multiple submitters, no conflicts (2 of 4 stars). 4 submissions from 4 submitters: Benign (2); Likely benign (2). Last evaluated 2026-01-27.

Conditions:
CEP152-related disorder. Also called: CEP152-related condition; CEP152-related disorders. Identifiers: MedGen CN239248.

Allele frequency attached by ClinVar (database versions not stated): TOPMed 0.00017; gnomAD 0.00019 and 0.00052; gnomAD exomes 0.00049 and 0.00085; ExAC 0.00088; 1000 Genomes Project 30x 0.00109; 1000 Genomes Project 0.00120.
gnomAD v4.1: 785 of 1,614,124 alleles (0.049%); highest among the groups gnomAD compares: South Asian, 0.58%; 5 homozygotes.

Submissions (4):

Labcorp Genetics (formerly Invitae), Labcorp
Classification: Benign. Last evaluated: 2026-01-27. Review status: criteria provided, single submitter. Criteria: Invitae Variant Classification Sherloc (09022015). Collection method: clinical testing. Allele origin: germline.

PreventionGenetics, part of Exact Sciences
Classification: Likely benign for CEP152-related condition. Last evaluated: 2025-12-01. Review status: criteria provided, single submitter. Criteria: ACMG Guidelines, 2015. Collection method: clinical testing. Allele origin: germline.
Comment: This variant is classified as likely benign based on ACMG/AMP sequence variant interpretation guidelines (Richards et al. 2015 PMID: 25741868, with internal and published modifications).

Blueprint Genetics
Classification: Likely benign. Last evaluated: 2024-11-26. Review status: criteria provided, single submitter. Criteria: ACMG Guidelines, 2015. Collection method: clinical testing. Allele origin: germline.

Breakthrough Genomics
Classification: Benign. Review status: criteria provided, single submitter. Criteria: ACMG Guidelines, 2015. Collection method: not provided. Allele origin: germline. Inheritance: Autosomal recessive inheritance. Affected: yes.

NM_001194998.2(CEP152):c.318A>G (p.Glu106=)

Gene: CEP152 (centrosomal protein 152; minus strand). Cytogenetic location: 15q21.1.
Variant type: single nucleotide variant.
Coding change: c.318A>G on transcript NM_001194998.2 (MANE Select); coding-DNA position 318, A replaced by G.
Protein change: p.Glu106=; no amino-acid change (glutamic acid 106 retained).
Molecular consequence: synonymous variant.
Genome position (GRCh38, 1-based): chr15:48,797,523, T>C on the plus strand (A>G on the coding strand, the complement: CEP152 is on the minus strand). VCF-style: chr15-48797523-T-C. GRCh37 (hg19) VCF-style: chr15-49089720-T-C.
Other names: c.318A>G, p.Glu106= (NM_014985.4); c.318A>G (NM_001194998.1).
Identifiers: ClinVar variation 756086 (VCV000756086.12), dbSNP rs180930731, ClinGen allele CA7549148.